The following is an entry in ClinVar:

NM_001367561.1(DOCK7):c.690C>T (p.Asn230=)

Gene: DOCK7 (dedicator of cytokinesis 7; minus strand). Cytogenetic location: 1p31.3.
Variant type: single nucleotide variant.
Coding change: c.690C>T on transcript NM_001367561.1 (MANE Select); coding-DNA position 690, C replaced by T.
Protein change: p.Asn230=; no amino-acid change (asparagine 230 retained).
Molecular consequence: synonymous variant.
Genome position (GRCh38, 1-based): chr1:62,648,148, G>A on the plus strand (C>T on the coding strand, the complement: DOCK7 is on the minus strand). VCF-style: chr1-62648148-G-A. GRCh37 (hg19) VCF-style: chr1-63113819-G-A.
Other names: c.690C>T, p.Asn230= (NM_001271999.2, NM_001272000.2, NM_001272001.2 and 3 more transcripts); c.690C>T (NM_001271999.1).
Identifiers: ClinVar variation 1161959 (VCV001161959.11), dbSNP rs776885851, ClinGen allele CA887142.

ClinVar aggregate classification (germline): Likely benign. Review status: criteria provided, single submitter (1 of 4 stars). 2 submissions from 2 submitters: Likely benign (1). 1 of the submissions does not count toward it. Last evaluated 2024-07-26.

Conditions:
DOCK7-related disorder. Also called: DOCK7-related condition.
Developmental and epileptic encephalopathy, 23 (DEE23). Also called: Epileptic encephalopathy, early infantile, 23. Identifiers: Orphanet 411986, MedGen C4014492, MONDO:0014371, OMIM 615859.

Allele frequency attached by ClinVar (database versions not stated): gnomAD exomes 0.00001; TOPMed 0.00003.
gnomAD v4.1: 4 of 1,613,416 alleles (0.00025%); highest among the groups gnomAD compares: Admixed American, 0.005%; no homozygotes.

Submissions (2):

Labcorp Genetics (formerly Invitae), Labcorp
Classification: Likely benign for Developmental and epileptic encephalopathy, 23. Last evaluated: 2024-07-26. Review status: criteria provided, single submitter. Criteria: Invitae Variant Classification Sherloc (09022015). Collection method: clinical testing. Allele origin: germline.

PreventionGenetics, part of Exact Sciences
Classification: Likely benign for DOCK7-related condition. Last evaluated: 2019-03-22. Review status: no assertion criteria provided. Collection method: clinical testing. Allele origin: germline. Not counted in ClinVar's aggregate classification.
Comment: This variant is classified as likely benign based on ACMG/AMP sequence variant interpretation guidelines (Richards et al. 2015 PMID: 25741868, with internal and published modifications).